The following is an entry in ClinVar:

ClinVar aggregate classification (germline): Conflicting classifications of pathogenicity. Review status: criteria provided, conflicting classifications (1 of 4 stars). 2 submissions from 2 submitters: Uncertain significance (1); Likely benign (1). Last evaluated 2023-12-01.

Allele frequency attached by ClinVar (database versions not stated): gnomAD 0.00004; gnomAD exomes 0.00005; TOPMed 0.00005; ESP Exome Variant Server 0.00008; ExAC 0.00009; 1000 Genomes Project 30x 0.00016; 1000 Genomes Project 0.00020.
gnomAD v4.1: 76 of 1,614,094 alleles (0.0047%); highest among the groups gnomAD compares: Admixed American, 0.028%; no homozygotes.

Submissions (2):

CeGaT Center for Human Genetics Tuebingen
Classification: Uncertain significance. Last evaluated: 2023-12-01. Review status: criteria provided, single submitter. Criteria: CeGaT Center For Human Genetics Tuebingen Variant Classification Criteria Version 2. Collection method: clinical testing. Allele origin: germline. Affected: yes. Observed: 1 variant allele.
Comment: LNPK: PM2, BP4

Blueprint Genetics
Classification: Likely benign. Last evaluated: 2022-07-27. Review status: criteria provided, single submitter. Criteria: ACMG Guidelines, 2015. Collection method: clinical testing. Allele origin: germline.

NM_030650.3(LNPK):c.1158A>G (p.Ser386=)

Gene: LNPK (lunapark, ER junction formation factor; minus strand). Cytogenetic location: 2q31.1.
Variant type: single nucleotide variant.
Coding change: c.1158A>G on transcript NM_030650.3 (MANE Select); coding-DNA position 1158, A replaced by G.
Protein change: p.Ser386=; no amino-acid change (serine 386 retained).
Molecular consequence: synonymous variant. On other transcripts: non-coding transcript variant (1).
Genome position (GRCh38, 1-based): chr2:175,930,096, T>C on the plus strand (A>G on the coding strand, the complement: LNPK is on the minus strand). VCF-style: chr2-175930096-T-C. GRCh37 (hg19) VCF-style: chr2-176794824-T-C.
Other names: c.1356A>G, p.Ser452= (NM_001305008.1); c.1251A>G, p.Ser417= (NM_001305009.1); c.1164A>G, p.Ser388= (NM_001305010.1); c.789A>G, p.Ser263= (NM_001305011.2).
Identifiers: ClinVar variation 3025440 (VCV003025440.23), dbSNP rs202012437, ClinGen allele CA1975794.